The following is an entry in ClinVar:

NM_004448.4(ERBB2):c.1940G>A (p.Arg647Lys)

Gene: ERBB2 (erb-b2 receptor tyrosine kinase 2; plus strand). Cytogenetic location: 17q12.
Variant type: single nucleotide variant.
Coding change: c.1940G>A on transcript NM_004448.4 (MANE Select); coding-DNA position 1940, G replaced by A.
Protein change: p.Arg647Lys; replaces arginine 647 with lysine.
Molecular consequence: missense variant. On other transcripts: non-coding transcript variant (1), intron variant (3).
Genome position (GRCh38, 1-based): chr17:39,719,828, G>A. VCF-style: chr17-39719828-G-A. GRCh37 (hg19) VCF-style: chr17-37876081-G-A.
Other names: c.1850G>A, p.Arg617Lys (NM_001005862.3, NM_001382782.1, NM_001382783.1); c.1895G>A, p.Arg632Lys (NM_001289936.2); c.1940G>A, p.Arg647Lys (NM_001289937.2, NM_001382798.1, NM_001382800.1 and 7 more transcripts); c.2057G>A, p.Arg686Lys (NM_001382784.1, NM_001382786.1); c.2042G>A, p.Arg681Lys (NM_001382785.1); c.1760G>A, p.Arg587Lys (NM_001382799.1); c.1682G>A, p.Arg561Lys (NM_001382802.1); c.1112G>A, p.Arg371Lys (NM_001382804.1); and 7 more; short protein forms R371K, R632K, R646K, R654K, R681K, R617K, R644K, R672K.
Identifiers: ClinVar variation 2887682 (VCV002887682.3), dbSNP rs201784472, ClinGen allele CA8534159.

ClinVar aggregate classification (germline): Uncertain significance (1 of 4 stars; one submission).

gnomAD v4.1: 8 of 1,614,176 alleles (0.0005%); highest among the groups gnomAD compares: Admixed American, 0.005%; no homozygotes.

Submission:

Labcorp Genetics (formerly Invitae), Labcorp
Classification: Uncertain significance. Last evaluated: 2024-06-11. Review status: criteria provided, single submitter. Criteria: Invitae Variant Classification Sherloc (09022015). Collection method: clinical testing. Allele origin: germline.
Comment: This sequence change replaces arginine, which is basic and polar, with lysine, which is basic and polar, at codon 647 of the ERBB2 protein (p.Arg647Lys). This variant is present in population databases (rs201784472, gnomAD 0.003%). This variant has not been reported in the literature in individuals affected with ERBB2-related conditions. Algorithms developed to predict the effect of missense changes on protein structure and function output the following: SIFT: "Not Available"; PolyPhen-2: "Benign"; Align-GVGD: "Not Available". The lysine amino acid residue is found in multiple mammalian species, which suggests that this missense change does not adversely affect protein function. In summary, the available evidence is currently insufficient to determine the role of this variant in disease. Therefore, it has been classified as a Variant of Uncertain Significance.